The following is an entry in ClinVar:

NM_001036.6(RYR3):c.2654T>C (p.Ile885Thr)

Gene: RYR3 (ryanodine receptor 3; plus strand). Cytogenetic location: 15q14.
Variant type: single nucleotide variant.
Coding change: c.2654T>C on transcript NM_001036.6 (MANE Select); coding-DNA position 2654, T replaced by C.
Protein change: p.Ile885Thr; replaces isoleucine 885 with threonine.
Molecular consequence: missense variant.
Genome position (GRCh38, 1-based): chr15:33,628,550, T>C. VCF-style: chr15-33628550-T-C. GRCh37 (hg19) VCF-style: chr15-33920751-T-C.
Other names: c.2654T>C, p.Ile885Thr (NM_001243996.4); short protein forms I885T.
Identifiers: ClinVar variation 838363 (VCV000838363.9), dbSNP rs2061111187, ClinGen allele CA391569377.
Genomic context (GRCh38, chr15:33,628,550, plus strand): 5'-TAGAAAAGATCCGAGACAGACTAGCTGAAAACATCCATGAGCTTTGGGGAATGAATAAAA[T>C]AGAACTTGGCTGGACTTTCGGCAAGGTATGTGTCTCAGGGCCAGGTTAGGGTGGAGGGTG-3'
Protein context (NP_001027.3, residues 875-895): NIHELWGMNK[Ile885Thr]ELGWTFGKIR

ClinVar aggregate classification (germline): Uncertain significance (1 of 4 stars; one submission).

Conditions:
Epileptic encephalopathy. Identifiers: MedGen C0543888, HP:0200134.

Allele frequency attached by ClinVar (database versions not stated): gnomAD exomes below 0.00001.
gnomAD v4.1: 1 of 1,613,472 alleles (0.000062%); highest among the groups gnomAD compares: Non-Finnish European, 0.000085%; no homozygotes.

Submission:

Labcorp Genetics (formerly Invitae), Labcorp
Classification: Uncertain significance for Epileptic encephalopathy. Last evaluated: 2019-02-27. Review status: criteria provided, single submitter. Criteria: Invitae Variant Classification Sherloc (09022015). Collection method: clinical testing. Allele origin: germline.
Comment: In summary, the available evidence is currently insufficient to determine the role of this variant in disease. Therefore, it has been classified as a Variant of Uncertain Significance. Algorithms developed to predict the effect of missense changes on protein structure and function are either unavailable or do not agree on the potential impact of this missense change (SIFT: "Tolerated"; PolyPhen-2: "Probably Damaging"; Align-GVGD: "Class C0"). This variant has not been reported in the literature in individuals with RYR3-related conditions. This variant is not present in population databases (ExAC no frequency). This sequence change replaces isoleucine with threonine at codon 885 of the RYR3 protein (p.Ile885Thr). The isoleucine residue is highly conserved and there is a moderate physicochemical difference between isoleucine and threonine.